The following is an entry in ClinVar:

ClinVar aggregate classification (germline): Uncertain significance (1 of 4 stars; one submission).

Conditions:
Mucopolysaccharidosis, MPS-IV-A (MPS4A). Also called: Morquio syndrome A, mild; MORQUIO SYNDROME A; GALACTOSAMINE-6-SULFATASE DEFICIENCY; GALNS DEFICIENCY; MORQUIO A DISEASE; MPS IVA. Identifiers: Orphanet 309297, Orphanet 582, MedGen C0086651, MONDO:0009659, OMIM 253000.

Allele frequency attached by ClinVar (database versions not stated): gnomAD 0.00001.
gnomAD v4.1: 1 of 1,613,534 alleles (0.000062%); highest among the groups gnomAD compares: Admixed American, 0.0017%; no homozygotes.

Submission:

Labcorp Genetics (formerly Invitae), Labcorp
Classification: Uncertain significance for Mucopolysaccharidosis, MPS-IV-A. Last evaluated: 2025-03-17. Review status: criteria provided, single submitter. Criteria: Invitae Variant Classification Sherloc (09022015). Collection method: clinical testing. Allele origin: germline.
Comment: This sequence change replaces glycine, which is neutral and non-polar, with glutamic acid, which is acidic and polar, at codon 255 of the GALNS protein (p.Gly255Glu). This variant is not present in population databases (gnomAD no frequency). This variant has not been reported in the literature in individuals affected with GALNS-related conditions. ClinVar contains an entry for this variant (Variation ID: 1349875). Invitae Evidence Modeling of protein sequence and biophysical properties (such as structural, functional, and spatial information, amino acid conservation, physicochemical variation, residue mobility, and thermodynamic stability) indicates that this missense variant is expected to disrupt GALNS protein function with a positive predictive value of 95%. This variant disrupts the p.Gly255 amino acid residue in GALNS. Other variant(s) that disrupt this residue have been observed in individuals with GALNS-related conditions (PMID: 34387910, 35729508), which suggests that this may be a clinically significant amino acid residue. In summary, the available evidence is currently insufficient to determine the role of this variant in disease. Therefore, it has been classified as a Variant of Uncertain Significance.

Literature cited by the submitters: PubMed 34387910; PubMed 35729508.

NM_000512.5(GALNS):c.764G>A (p.Gly255Glu)

Gene: GALNS (galactosamine (N-acetyl)-6-sulfatase; minus strand). Cytogenetic location: 16q24.3.
Variant type: single nucleotide variant.
Coding change: c.764G>A on transcript NM_000512.5 (MANE Select); coding-DNA position 764, G replaced by A.
Protein change: p.Gly255Glu; replaces glycine 255 with glutamic acid.
Molecular consequence: missense variant.
Genome position (GRCh38, 1-based): chr16:88,835,347, C>T on the plus strand (G>A on the coding strand, the complement: GALNS is on the minus strand). VCF-style: chr16-88835347-C-T. GRCh37 (hg19) VCF-style: chr16-88901755-C-T.
Other names: c.209G>A, p.Gly70Glu (NM_001323543.2); c.782G>A, p.Gly261Glu (NM_001323544.2); short protein forms G261E, G255E, G70E.
Identifiers: ClinVar variation 1349875 (VCV001349875.8), dbSNP rs1912009292, ClinGen allele CA397079127.
Genomic context (GRCh38, chr16:88,835,347, plus strand): 5'-AGGTCTTGGAGGAGCTCCAGTATCTTCCCAATGCTGTCATCAATCTCCCGGACGGCGTCT[C>T]CATACCTGCAGGATGGTGACAAAAGGCATCTCCATACCTGGAGGATGGTGACAAATGGAT-3'
Protein context (NP_000503.1, residues 245-265): FLGTSQRGRY[Gly255Glu]DAVREIDDSI